The following is an entry in ClinVar:

NM_001814.6(CTSC):c.312T>A (p.Phe104Leu)

Gene: CTSC (cathepsin C; minus strand). Cytogenetic location: 11q14.2.
Variant type: single nucleotide variant.
Coding change: c.312T>A on transcript NM_001814.6 (MANE Select); coding-DNA position 312, T replaced by A.
Protein change: p.Phe104Leu; replaces phenylalanine 104 with leucine.
Molecular consequence: missense variant.
Genome position (GRCh38, 1-based): chr11:88,334,943, A>T on the plus strand (T>A on the coding strand, the complement: CTSC is on the minus strand). VCF-style: chr11-88334943-A-T. GRCh37 (hg19) VCF-style: chr11-88068111-A-T.
Other names: c.312T>A, p.Phe104Leu (NM_001114173.3, NM_148170.5); short protein forms F104L.
Identifiers: ClinVar variation 2102936 (VCV002102936.4), dbSNP rs1938449436, ClinGen allele CA382029601.
Genomic context (GRCh38, chr11:88,334,943, plus strand): 5'-GGTTTCAGATATCAAATCATTGAAAATGTAAATCCAACTTCCAACAAAACTAACCTTAAA[A>T]AAGGCAAACCACTTGTAGTCATTCAACACAATCTCAAAGCCTTGGTTGTAAATGATGGTG-3'
Protein context (NP_001805.4, residues 94-114): IVLNDYKWFA[Phe104Leu]FKYKEEGSKV

ClinVar aggregate classification (germline): Uncertain significance (1 of 4 stars; one submission).

Conditions:
Periodontitis, aggressive. Identifiers: MedGen C0031106, MONDO:0980757.
Haim-Munk syndrome (HMS). Also called: COCHIN JEWISH DISORDER; KERATOSIS PALMOPLANTARIS WITH PERIODONTOPATHIA AND ONYCHOGRYPOSIS. Identifiers: Orphanet 2342, MedGen C1855627, MONDO:0009491, OMIM 245010.
Papillon-Lefèvre syndrome (PALS). Also called: KERATOSIS PALMOPLANTARIS WITH PERIODONTOPATHIA; Papillon-Lefevre Disease. Identifiers: Orphanet 678, MedGen C0030360, MONDO:0009490, OMIM 245000.

Submission:

Labcorp Genetics (formerly Invitae), Labcorp
Classification: Uncertain significance for Haim-Munk syndrome; Periodontitis, aggressive; Papillon-Lefèvre syndrome. Last evaluated: 2022-02-24. Review status: criteria provided, single submitter. Criteria: Invitae Variant Classification Sherloc (09022015). Collection method: clinical testing. Allele origin: germline.
Comment: In summary, the available evidence is currently insufficient to determine the role of this variant in disease. Therefore, it has been classified as a Variant of Uncertain Significance. Algorithms developed to predict the effect of missense changes on protein structure and function are either unavailable or do not agree on the potential impact of this missense change (SIFT: "Not Available"; PolyPhen-2: "Probably Damaging"; Align-GVGD: "Not Available"). This variant has not been reported in the literature in individuals affected with CTSC-related conditions. This variant is not present in population databases (gnomAD no frequency). This sequence change replaces phenylalanine, which is neutral and non-polar, with leucine, which is neutral and non-polar, at codon 104 of the CTSC protein (p.Phe104Leu).